The following is an entry in ClinVar:

NM_024422.6(DSC2):c.906C>T (p.Gly302=)

Gene: DSC2 (desmocollin 2; minus strand). Cytogenetic location: 18q12.1.
Variant type: single nucleotide variant.
Coding change: c.906C>T on transcript NM_024422.6 (MANE Select); coding-DNA position 906, C replaced by T.
Protein change: p.Gly302=; no amino-acid change (glycine 302 retained).
Molecular consequence: synonymous variant.
Genome position (GRCh38, 1-based): chr18:31,086,612, G>A on the plus strand (C>T on the coding strand, the complement: DSC2 is on the minus strand). VCF-style: chr18-31086612-G-A. GRCh37 (hg19) VCF-style: chr18-28666575-G-A.
Other names: c.906C>T, p.Gly302= (NM_004949.5).
Identifiers: ClinVar variation 629834 (VCV000629834.14), dbSNP rs776857618, ClinGen allele CA040516.

ClinVar aggregate classification (germline): Likely benign. Review status: criteria provided, multiple submitters, no conflicts (2 of 4 stars). 4 submissions from 4 submitters: Likely benign (4). Last evaluated 2025-12-29.

Conditions:
Cardiomyopathy (CMYO). Also called: Cardiomyopathies. Identifiers: Orphanet 167848, MedGen C0878544, MONDO:0004994, HP:0001638. Inheritance: Various modes of inheritance.
Arrhythmogenic right ventricular dysplasia 11. Also called: Arrhythmogenic right ventricular dysplasia 11 with mild palmoplantar keratoderma and woolly hair; Arrhythmogenic Right Ventricular Dysplasia/Cardiomyopathy11; ARRHYTHMOGENIC RIGHT VENTRICULAR DYSPLASIA, FAMILIAL, 11. Identifiers: MedGen C1864850, MONDO:0012506, OMIM 610476.
Familial isolated arrhythmogenic right ventricular dysplasia. Identifiers: Orphanet 217656, MedGen C4274968, MONDO:0016342.
Cardiovascular phenotype. Identifiers: MedGen CN230736.

Allele frequency attached by ClinVar (database versions not stated): TOPMed 0.00002; gnomAD below 0.00001 and 0.00001; gnomAD exomes 0.00004; ExAC 0.00005.
gnomAD v4.1: 45 of 1,614,040 alleles (0.0028%); highest among the groups gnomAD compares: South Asian, 0.026%; no homozygotes.

Submissions (4):

Labcorp Genetics (formerly Invitae), Labcorp
Classification: Likely benign for Arrhythmogenic right ventricular dysplasia 11. Last evaluated: 2025-12-29. Review status: criteria provided, single submitter. Criteria: Invitae Variant Classification Sherloc (09022015). Collection method: clinical testing. Allele origin: germline.

All of Us Research Program, National Institutes of Health
Classification: Likely benign for Familial isolated arrhythmogenic right ventricular dysplasia. Last evaluated: 2024-02-05. Review status: criteria provided, single submitter. Criteria: ACMG Guidelines, 2015. Collection method: clinical testing. Allele origin: germline. Inheritance: Autosomal dominant inheritance. Observed: 2 variant alleles, 2 heterozygotes.
Comment: This synonymous variant does not change the amino acid sequence of the DSC2 protein. However, computational splicing tools suggest that this variant may impact RNA splicing. To our knowledge, functional studies have not been reported for this variant. This variant has not been reported in individuals affected with cardiovascular disorders in the literature. This variant has been identified in 9/251440 chromosomes in the general population by the Genome Aggregation Database (gnomAD). The available evidence is insufficient to determine the role of this variant in disease conclusively. Therefore, this variant is classified as a Variant of Uncertain Significance.

This study involves interpretation of variants in research participants for the purpose of population health screening. Participant phenotype was not available at the time of variant classification. Additional details can be found in publication PMID: 35346344, PMCID: PMC8962531

Color Diagnostics, LLC DBA Color Health
Classification: Likely benign for Cardiomyopathy. Last evaluated: 2023-12-05. Review status: criteria provided, single submitter. Criteria: ACMG Guidelines, 2015. Collection method: clinical testing. Allele origin: germline.

Ambry Genetics
Classification: Likely benign for Cardiovascular phenotype. Last evaluated: 2023-08-24. Review status: criteria provided, single submitter. Criteria: Ambry Variant Classification Scheme 2023. Collection method: clinical testing. Allele origin: germline.